The following is an entry in ClinVar:

ClinVar aggregate classification (germline): Pathogenic/Likely pathogenic. Review status: criteria provided, multiple submitters, no conflicts (2 of 4 stars). 4 submissions from 4 submitters: Pathogenic (2); Likely pathogenic (1). 1 of the submissions does not count toward it. Last evaluated 2024-04-15.

Conditions:
Orofaciodigital syndrome type 6 (OFD6). Also called: VARADI SYNDROME; VARADI-PAPP SYNDROME; Oral-facial-digital syndrome type 6; Central polydactyly cleft lip/palate or lingual lump and psychomotor retardation; Y-shaped central metacarpal and cerebellar defect; Joubert syndrome with orofacialdigital anomalies. Identifiers: Orphanet 2754, MedGen C2745997, MONDO:0010176, OMIM 277170.
Joubert syndrome 17 (JBTS17). Identifiers: Orphanet 475, MedGen C3553264, MONDO:0013824, OMIM 614615.

Allele frequency attached by ClinVar (database versions not stated): gnomAD exomes below 0.00001.
gnomAD v4.1: 1 of 1,613,778 alleles (0.000062%); highest among the groups gnomAD compares: Middle Eastern, 0.017%; no homozygotes.

Submissions (4):

GeneDx
Classification: Pathogenic. Last evaluated: 2024-04-15. Review status: criteria provided, single submitter. Criteria: GeneDx Variant Classification Process June 2021. Collection method: clinical testing. Allele origin: germline. Affected: yes.
Comment: Nonsense variant predicted to result in protein truncation or nonsense mediated decay in a gene for which loss of function is a known mechanism of disease; Not observed at significant frequency in large population cohorts (gnomAD); This variant is associated with the following publications: (PMID: 26092869)

Genomic Medicine Center of Excellence, King Faisal Specialist Hospital and Research Centre
Classification: Likely pathogenic for Orofaciodigital syndrome type 6. Last evaluated: 2024-03-17. Review status: criteria provided, single submitter. Criteria: ACMG Guidelines, 2015. Collection method: research. Allele origin: germline.

UW Hindbrain Malformation Research Program, University of Washington
Classification: Pathogenic for Joubert syndrome 17. Last evaluated: 2015-02-23. Review status: criteria provided, single submitter. Criteria: Bachmann-Gagescu et al. (J Med Genet. 2015). Collection method: research. Allele origin: unknown. Affected: yes.

Biochemical Molecular Genetic Laboratory, King Abdulaziz Medical City
Classification: Pathogenic for Joubert syndrome 17. Last evaluated: 2018-04-13. Review status: no assertion criteria provided. Collection method: clinical testing. Allele origin: germline. Affected: yes. Not counted in ClinVar's aggregate classification.

NM_001384732.1(CPLANE1):c.7778G>A (p.Trp2593Ter)

Gene: CPLANE1 (ciliogenesis and planar polarity effector complex subunit 1; minus strand). Cytogenetic location: 5p13.2.
Variant type: single nucleotide variant.
Coding change: c.7778G>A on transcript NM_001384732.1 (MANE Select); coding-DNA position 7778, G replaced by A.
Protein change: p.Trp2593Ter; replaces tryptophan 2593 with a stop codon.
Molecular consequence: nonsense.
Genome position (GRCh38, 1-based): chr5:37,158,258, C>T on the plus strand (G>A on the coding strand, the complement: CPLANE1 is on the minus strand). VCF-style: chr5-37158258-C-T. GRCh37 (hg19) VCF-style: chr5-37158360-C-T.
Other names: c.7778G>A, p.Trp2593Ter (NM_023073.4); short protein forms W2593*.
Identifiers: ClinVar variation 217574 (VCV000217574.4), dbSNP rs863225159, ClinGen allele CA279479.